The following is an entry in ClinVar:

NM_006445.4(PRPF8):c.2679G>A (p.Glu893=)

Gene: PRPF8 (pre-mRNA processing factor 8; minus strand). Cytogenetic location: 17p13.3.
Variant type: single nucleotide variant.
Coding change: c.2679G>A on transcript NM_006445.4 (MANE Select); coding-DNA position 2679, G replaced by A.
Protein change: p.Glu893=; no amino-acid change (glutamic acid 893 retained).
Molecular consequence: synonymous variant.
Genome position (GRCh38, 1-based): chr17:1,675,928, C>T on the plus strand (G>A on the coding strand, the complement: PRPF8 is on the minus strand). VCF-style: chr17-1675928-C-T. GRCh37 (hg19) VCF-style: chr17-1579222-C-T.
Identifiers: ClinVar variation 1183184 (VCV001183184.10), dbSNP rs1004311291, ClinGen allele CA286807456.

ClinVar aggregate classification (germline): Conflicting classifications of pathogenicity. Review status: criteria provided, conflicting classifications (1 of 4 stars). 4 submissions from 4 submitters: Uncertain significance (2); Likely benign (2). Last evaluated 2025-08-12.

Conditions:
PRPF8-related disorder. Also called: PRPF8-related condition.

Allele frequency attached by ClinVar (database versions not stated): gnomAD exomes 0.00001 and 0.00004; gnomAD 0.00002.
gnomAD v4.1: 62 of 1,614,014 alleles (0.0038%); highest among the groups gnomAD compares: Non-Finnish European, 0.0052%; no homozygotes.

Submissions (4):

PreventionGenetics, part of Exact Sciences
Classification: Likely benign for PRPF8-related condition. Last evaluated: 2025-08-12. Review status: criteria provided, single submitter. Criteria: ACMG Guidelines, 2015. Collection method: clinical testing. Allele origin: germline.
Comment: This variant is classified as likely benign based on ACMG/AMP sequence variant interpretation guidelines (Richards et al. 2015 PMID: 25741868, with internal and published modifications).

Labcorp Genetics (formerly Invitae), Labcorp
Classification: Uncertain significance. Last evaluated: 2025-06-09. Review status: criteria provided, single submitter. Criteria: Invitae Variant Classification Sherloc (09022015). Collection method: clinical testing. Allele origin: germline.
Comment: This sequence change affects codon 893 of the PRPF8 mRNA. It is a 'silent' change, meaning that it does not change the encoded amino acid sequence of the PRPF8 protein. This variant also falls at the last nucleotide of exon 18, which is part of the consensus splice site for this exon. This variant is present in population databases (no rsID available, gnomAD 0.003%). This variant has not been reported in the literature in individuals affected with PRPF8-related conditions. ClinVar contains an entry for this variant (Variation ID: 1183184). Variants that disrupt the consensus splice site are a relatively common cause of aberrant splicing (PMID: 17576681, 9536098). Algorithms developed to predict the effect of sequence changes on RNA splicing suggest that this variant is not likely to affect RNA splicing. In summary, the available evidence is currently insufficient to determine the role of this variant in disease. Therefore, it has been classified as a Variant of Uncertain Significance.

Blueprint Genetics
Classification: Uncertain significance. Last evaluated: 2024-03-06. Review status: criteria provided, single submitter. Criteria: ACMG Guidelines, 2015. Collection method: clinical testing. Allele origin: germline.

GeneDx
Classification: Likely benign. Last evaluated: 2015-03-03. Review status: criteria provided, single submitter. Criteria: GeneDx Variant Classification Process June 2021. Collection method: clinical testing. Allele origin: germline. Affected: yes.

Literature cited by the submitters: PubMed 17576681 (cited by Labcorp Genetics (formerly Invitae), Labcorp); PubMed 9536098 (cited by Labcorp Genetics (formerly Invitae), Labcorp).